The following is an entry in ClinVar:

ClinVar aggregate classification (germline): Pathogenic (1 of 4 stars; one submission).

Submission:

Labcorp Genetics (formerly Invitae), Labcorp
Classification: Pathogenic. Last evaluated: 2024-04-10. Review status: criteria provided, single submitter. Criteria: Invitae Variant Classification Sherloc (09022015). Collection method: clinical testing. Allele origin: germline.
Comment: This sequence change creates a premature translational stop signal (p.Tyr2220*) in the USP9X gene. It is expected to result in an absent or disrupted protein product. Loss-of-function variants in USP9X are known to be pathogenic (PMID: 26833328, 28377321). This variant is not present in population databases (gnomAD no frequency). This premature translational stop signal has been observed in individual(s) with X-linked intellectual disability (Invitae). In at least one individual the variant was observed to be de novo. ClinVar contains an entry for this variant (Variation ID: 1068468). For these reasons, this variant has been classified as Pathogenic.

Literature cited by the submitters: PubMed 26833328; PubMed 28377321.

NM_001039591.3(USP9X):c.6659dup (p.Tyr2220Ter)

Gene: USP9X (ubiquitin specific peptidase 9 X-linked; plus strand). Cytogenetic location: Xp11.4.
Variant type: Duplication.
Coding change: c.6659dup on transcript NM_001039591.3 (MANE Select); coding-DNA position 6659, one base duplicated (A; older notation c.6659dupA).
Protein change: p.Tyr2220Ter; replaces tyrosine 2220 with a stop codon.
Molecular consequence: nonsense.
Genome position (GRCh38, 1-based): chrX:41,223,310, A duplicated. VCF-style (leftmost placement, unchanged base first): chrX-41223309-T-TA. GRCh37 (hg19) VCF-style: chrX-41082562-T-TA.
Other names: c.6659dup, p.Tyr2220Ter (NM_001039590.3); short protein forms Y2220*.
Identifiers: ClinVar variation 1068468 (VCV001068468.9), dbSNP rs2147262363, ClinGen allele CA2499226713.